The following is an entry in ClinVar:

ClinVar aggregate classification (germline): Uncertain significance (1 of 4 stars; one submission).

Allele frequency attached by ClinVar (database versions not stated): TOPMed below 0.00001; gnomAD 0.00001; gnomAD exomes 0.00001.
gnomAD v4.1: 9 of 1,614,026 alleles (0.00056%); highest among the groups gnomAD compares: Non-Finnish European, 0.00076%; no homozygotes.

Submission:

Labcorp Genetics (formerly Invitae), Labcorp
Classification: Uncertain significance. Last evaluated: 2022-07-06. Review status: criteria provided, single submitter. Criteria: Invitae Variant Classification Sherloc (09022015). Collection method: clinical testing. Allele origin: germline.
Comment: This sequence change replaces asparagine, which is neutral and polar, with serine, which is neutral and polar, at codon 2164 of the FAT4 protein (p.Asn2164Ser). In summary, the available evidence is currently insufficient to determine the role of this variant in disease. Therefore, it has been classified as a Variant of Uncertain Significance. Advanced modeling of protein sequence and biophysical properties (such as structural, functional, and spatial information, amino acid conservation, physicochemical variation, residue mobility, and thermodynamic stability) performed at Invitae indicates that this missense variant is not expected to disrupt FAT4 protein function. This variant has not been reported in the literature in individuals affected with FAT4-related conditions. This variant is present in population databases (no rsID available, gnomAD 0.0009%).

NM_001291303.3(FAT4):c.6491A>G (p.Asn2164Ser)

Gene: FAT4 (FAT atypical cadherin 4; plus strand). Cytogenetic location: 4q28.1.
Variant type: single nucleotide variant.
Coding change: c.6491A>G on transcript NM_001291303.3 (MANE Select); coding-DNA position 6491, A replaced by G.
Protein change: p.Asn2164Ser; replaces asparagine 2164 with serine.
Molecular consequence: missense variant.
Genome position (GRCh38, 1-based): chr4:125,415,454, A>G. VCF-style: chr4-125415454-A-G. GRCh37 (hg19) VCF-style: chr4-126336609-A-G.
Other names: c.6491A>G, p.Asn2164Ser (NM_001291285.3, NM_024582.6); short protein forms N2164S.
Identifiers: ClinVar variation 2087086 (VCV002087086.2), dbSNP rs1399194933, ClinGen allele CA358129742.
Genomic context (GRCh38, chr4:125,415,454, plus strand): 5'-TACTTGACATCAATGATAACAACCCCATCTTTGCACAAGCTTTGTATAAAGTGGAGATTA[A>G]TGAAAACACACTTACTGGAACAGATATAATACAAGTGTTCGCAGCAGATGGAGATGAAGG-3'
Protein context (NP_001278232.1, residues 2154-2174): FAQALYKVEI[Asn2164Ser]ENTLTGTDII